The following is an entry in ClinVar:

NM_022124.6(CDH23):c.4617+1G>A

Gene: CDH23 (cadherin related 23; plus strand). Cytogenetic location: 10q22.1.
Variant type: single nucleotide variant.
Coding change: c.4617+1G>A on transcript NM_022124.6 (MANE Select); the canonical splice donor site of the intron after coding-DNA position 4617, G replaced by A.
Molecular consequence: splice donor variant.
Genome position (GRCh38, 1-based): chr10:71,740,951, G>A. VCF-style: chr10-71740951-G-A. GRCh37 (hg19) VCF-style: chr10-73500708-G-A.
Identifiers: ClinVar variation 1472985 (VCV001472985.7), dbSNP rs2132846322, ClinGen allele CA377160830.
Genomic context (GRCh38, chr10:71,740,951, plus strand): 5'-ATCAATGACAACCCTCCAGTCATCGAGAGCCCCTTTGGATACAATGTCAGTGTGAATGAG[G>A]TGAGGGCAGCCCCGGGGCCCATATAGCTGGACATACGGGGGGACCGTGGGCACGAGCCAA-3'

ClinVar aggregate classification (germline): Likely pathogenic. Review status: criteria provided, multiple submitters, no conflicts (2 of 4 stars). 2 submissions from 2 submitters: Likely pathogenic (2). Last evaluated 2023-07-17.

Conditions:
CDH23-related disorder. Also called: CDH23-related disorders; CDH23-related condition.

Allele frequency attached by ClinVar (database versions not stated): gnomAD exomes 0.00001.
gnomAD v4.1: 7 of 1,613,950 alleles (0.00043%); highest among the groups gnomAD compares: Non-Finnish European, 0.00059%; no homozygotes.

Submissions (2):

Labcorp Genetics (formerly Invitae), Labcorp
Classification: Likely pathogenic. Last evaluated: 2023-07-17. Review status: criteria provided, single submitter. Criteria: Invitae Variant Classification Sherloc (09022015). Collection method: clinical testing. Allele origin: germline.
Comment: In summary, the currently available evidence indicates that the variant is pathogenic, but additional data are needed to prove that conclusively. Therefore, this variant has been classified as Likely Pathogenic. Algorithms developed to predict the effect of sequence changes on RNA splicing suggest that this variant may disrupt the consensus splice site. ClinVar contains an entry for this variant (Variation ID: 1472985). This variant has not been reported in the literature in individuals affected with CDH23-related conditions. This variant is not present in population databases (gnomAD no frequency). This sequence change affects a donor splice site in intron 37 of the CDH23 gene. It is expected to disrupt RNA splicing. Variants that disrupt the donor or acceptor splice site typically lead to a loss of protein function (PMID: 16199547), and loss-of-function variants in CDH23 are known to be pathogenic (PMID: 11138009, 21940737).

Blueprint Genetics
Classification: Likely pathogenic for CDH23-related disorders. Last evaluated: 2021-01-13. Review status: criteria provided, single submitter. Criteria: ACMG Guidelines, 2015. Collection method: clinical testing. Allele origin: germline. Affected: yes. Observed: 1 variant allele.

Literature cited by the submitters: PubMed 16199547 (cited by Labcorp Genetics (formerly Invitae), Labcorp); PubMed 11138009 (cited by Labcorp Genetics (formerly Invitae), Labcorp); PubMed 21940737 (cited by Labcorp Genetics (formerly Invitae), Labcorp).